The following is an entry in ClinVar:

NM_000138.5(FBN1):c.5261G>A (p.Gly1754Asp)

Gene: FBN1 (fibrillin 1; minus strand). Cytogenetic location: 15q21.1.
Variant type: single nucleotide variant.
Coding change: c.5261G>A on transcript NM_000138.5 (MANE Select); coding-DNA position 5261, G replaced by A.
Protein change: p.Gly1754Asp; replaces glycine 1754 with aspartic acid.
Molecular consequence: missense variant.
Genome position (GRCh38, 1-based): chr15:48,460,281, C>T on the plus strand (G>A on the coding strand, the complement: FBN1 is on the minus strand). VCF-style: chr15-48460281-C-T. GRCh37 (hg19) VCF-style: chr15-48752478-C-T.
Other names: c.5261G>A, p.Gly1754Asp (NM_001406716.1); short protein forms G1754D.
Identifiers: ClinVar variation 2570580 (VCV002570580.4), dbSNP rs2505485551, ClinGen allele CA392348025.

ClinVar aggregate classification (germline): Likely pathogenic. Review status: criteria provided, multiple submitters, no conflicts (2 of 4 stars). 2 submissions from 2 submitters: Likely pathogenic (2). Last evaluated 2024-05-17.

Conditions:
Marfan syndrome (MFS). Also called: MARFAN SYNDROME, TYPE I; FBN1-Related Marfan Syndrome; Marfan syndrome type 1; Marfan's syndrome; Marfan syndrome, classic. Identifiers: Orphanet 284963, Orphanet 558, MedGen C0024796, MONDO:0007947, OMIM 154700.
Familial thoracic aortic aneurysm and aortic dissection (TAAD). Also called: Thoracic aortic aneurysms and dissections. Identifiers: Orphanet 91387, MedGen C4707243, MONDO:0019625.
Weill-Marchesani syndrome 2, dominant. Also called: Weill-Marchesani Syndrome, Autosomal Dominant; FBN1-Related Weill-Marchesani Syndrome. Identifiers: Orphanet 2084, MedGen C1869115, MONDO:0012013, OMIM 608328.

Submissions (2):

Labcorp Genetics (formerly Invitae), Labcorp
Classification: Likely pathogenic for Marfan syndrome; Familial thoracic aortic aneurysm and aortic dissection. Last evaluated: 2024-05-17. Review status: criteria provided, single submitter. Criteria: Invitae Variant Classification Sherloc (09022015). Collection method: clinical testing. Allele origin: germline.
Comment: This sequence change replaces glycine, which is neutral and non-polar, with aspartic acid, which is acidic and polar, at codon 1754 of the FBN1 protein (p.Gly1754Asp). This variant is not present in population databases (gnomAD no frequency). This missense change has been observed in individual(s) with FBN1-related conditions (PMID: 2796200). ClinVar contains an entry for this variant (Variation ID: 2570580). Advanced modeling of protein sequence and biophysical properties (such as structural, functional, and spatial information, amino acid conservation, physicochemical variation, residue mobility, and thermodynamic stability) performed at Invitae indicates that this missense variant is expected to disrupt FBN1 protein function with a positive predictive value of 95%. This variant disrupts the p.Gly1754 amino acid residue in FBN1. Other variant(s) that disrupt this residue have been determined to be pathogenic (PMID: 33030311). This suggests that this residue is clinically significant, and that variants that disrupt this residue are likely to be disease-causing. In summary, the currently available evidence indicates that the variant is pathogenic, but additional data are needed to prove that conclusively. Therefore, this variant has been classified as Likely Pathogenic.

Laboratory of Molecular and Physiopathological Bases of Osteochondrodysplasia, Imagine Institute
Classification: Likely pathogenic for Weill-Marchesani syndrome 2, dominant. Last evaluated: 2023-06-29. Review status: criteria provided, single submitter. Criteria: ACMG Guidelines, 2015. Collection method: clinical testing. Allele origin: de novo. Affected: yes. Observed: 1 variant allele.

Literature cited by the submitters: PubMed 2796200 (cited by Labcorp Genetics (formerly Invitae), Labcorp); PubMed 33030311 (cited by Labcorp Genetics (formerly Invitae), Labcorp).